The following is an entry in ClinVar:

NM_000038.6(APC):c.1307del (p.Asn436fs)

Gene: APC (APC regulator of Wnt signaling pathway; plus strand). Cytogenetic location: 5q22.2.
Variant type: Deletion.
Coding change: c.1307del on transcript NM_000038.6 (MANE Select); coding-DNA position 1307, one base deleted (A; older notation c.1307delA).
Protein change: p.Asn436fs; shifts the reading frame from asparagine 436.
Molecular consequence: frameshift variant.
Genome position (GRCh38, 1-based): chr5:112,819,339, A deleted; the last of 5 consecutive A bases (chr5:112,819,335-112,819,339); deleting any one gives the same sequence. VCF-style (leftmost placement, unchanged base first): chr5-112819334-CA-C. GRCh37 (hg19) VCF-style: chr5-112155031-CA-C.
Other names: c.1307del, p.Asn436fs (NM_001127510.3, NM_001354895.2, NM_001354896.2); c.1253del, p.Asn418fs (NM_001127511.3); c.1337del, p.Asn446fs (NM_001354897.2); c.1232del, p.Asn411fs (NM_001354898.2); c.1223del, p.Asn408fs (NM_001354899.2); c.1130del, p.Asn377fs (NM_001354900.2, NM_001354901.2); c.1034del, p.Asn345fs (NM_001354902.2); c.1004del, p.Asn335fs (NM_001354903.2); and 3 more; short protein forms N335fs, N377fs, N446fs, N310fs, N345fs, N408fs, N411fs, N418fs.
Identifiers: ClinVar variation 487058 (VCV000487058.7), dbSNP rs1554080162, ClinGen allele CA658655919.
Genomic context (GRCh38, chr5:112,819,334, plus strand): 5'-CGCTTACTGTGAAACCTGTTGGGAGTGGCAGGAAGCTCATGAACCAGGCATGGACCAGGA[CA>C]AAAATCCAAGTATGTTCTCTATAGTGTACATCGTAGTGCATGTTTCAAAGCAAATGTGAA-3'

ClinVar aggregate classification (germline): Pathogenic. Review status: criteria provided, multiple submitters, no conflicts (2 of 4 stars). 2 submissions from 2 submitters: Pathogenic (2). Last evaluated 2023-05-01.

Conditions:
Hereditary cancer-predisposing syndrome. Also called: Tumor predisposition; Hereditary Cancer Syndrome; Hereditary neoplastic syndrome; Neoplastic Syndromes, Hereditary. Identifiers: Orphanet 140162, MedGen C0027672, MeSH D009386, MONDO:0015356.
Familial adenomatous polyposis 1 (FAP1). Also called: FAMILIAL ADENOMATOUS POLYPOSIS 1, ATTENUATED; POLYPOSIS, ADENOMATOUS INTESTINAL. Identifiers: MedGen C2713442, MONDO:0021056, OMIM 175100. Disease mechanism: loss of function.

Submissions (2):

Myriad Genetics, Inc.
Classification: Pathogenic for Familial adenomatous polyposis 1. Last evaluated: 2023-05-01. Review status: criteria provided, single submitter. Criteria: Myriad Autosomal Dominant, Autosomal Recessive and X-Linked Classification Criteria (2023). Collection method: clinical testing. Allele origin: unknown.
Comment: This variant is considered pathogenic. This variant creates a frameshift predicted to result in premature protein truncation.

Ambry Genetics
Classification: Pathogenic for Hereditary cancer-predisposing syndrome. Last evaluated: 2017-07-07. Review status: criteria provided, single submitter. Criteria: Ambry Variant Classification Scheme 2023. Collection method: clinical testing. Allele origin: germline.
Comment: The c.1307delA pathogenic mutation, located in coding exon 9 of the APC gene, results from a deletion of one nucleotide at nucleotide position 1307, causing a translational frameshift with a predicted alternate stop codon (p.N436Ifs*18). This mutation has been reported in the literature in individuals with a clinical diagnosis of familial adenomatous polyposis (FAP) or attenuated FAP (Chiang JM et al. Fam. Cancer, 2010 Jun;9:117-24; Friedl W et al. Hered Cancer Clin Pract, 2005 Sep;3:95-114). Of note, this mutation is also designated as 1306delA in published literature. This alteration is expected to result in loss of function by premature protein truncation or nonsense-mediated mRNA decay. As such, this alteration is interpreted as a disease-causing mutation.

Literature cited by the submitters: PubMed 19768578 (cited by Ambry Genetics); PubMed 20223039 (cited by Ambry Genetics).